The following is an entry in ClinVar:

ClinVar aggregate classification (germline): Uncertain significance. Review status: criteria provided, multiple submitters, no conflicts (2 of 4 stars). 2 submissions from 2 submitters: Uncertain significance (2). Last evaluated 2025-07-30.

Conditions:
Cardiovascular phenotype. Identifiers: MedGen CN230736.

Submissions (2):

Mayo Clinic Laboratories, Mayo Clinic
Classification: Uncertain significance. Last evaluated: 2025-07-30. Review status: criteria provided, single submitter. Criteria: ACMG Guidelines, 2015. Collection method: clinical testing. Allele origin: germline. Observed: 1 variant allele.
Comment: PM2_supporting

Ambry Genetics
Classification: Uncertain significance for Cardiovascular phenotype. Last evaluated: 2024-08-25. Review status: criteria provided, single submitter. Criteria: Ambry Variant Classification Scheme 2023. Collection method: clinical testing. Allele origin: germline.
Comment: The p.R211W variant (also known as c.631C>T), located in coding exon 5 of the ABCG8 gene, results from a C to T substitution at nucleotide position 631. The arginine at codon 211 is replaced by tryptophan, an amino acid with dissimilar properties. This amino acid position is conserved. In addition, this alteration is predicted to be tolerated by in silico analysis. Based on the available evidence, the clinical significance of this variant remains unclear.

Literature cited by the submitters: PubMed 32088153 (cited by Mayo Clinic Laboratories, Mayo Clinic).

NM_022437.3(ABCG8):c.631C>T (p.Arg211Trp)

Gene: ABCG8 (ATP binding cassette subfamily G member 8; plus strand). Cytogenetic location: 2p21.
Variant type: single nucleotide variant.
Coding change: c.631C>T on transcript NM_022437.3 (MANE Select); coding-DNA position 631, C replaced by T.
Protein change: p.Arg211Trp; replaces arginine 211 with tryptophan.
Molecular consequence: missense variant.
Genome position (GRCh38, 1-based): chr2:43,852,423, C>T. VCF-style: chr2-43852423-C-T. GRCh37 (hg19) VCF-style: chr2-44079562-C-T.
Other names: p.Arg211Trp; c.631C>T, p.Arg211Trp (NM_001357321.2); short protein forms R211W.
Identifiers: ClinVar variation 3417926 (VCV003417926.2).